The following is an entry in ClinVar:

NM_152296.5(ATP1A3):c.1175C>A (p.Thr392Asn)

Gene: ATP1A3 (ATPase Na+/K+ transporting subunit alpha 3; minus strand). Cytogenetic location: 19q13.2.
Variant type: single nucleotide variant.
Coding change: c.1175C>A on transcript NM_152296.5 (MANE Select); coding-DNA position 1175, C replaced by A.
Protein change: p.Thr392Asn; replaces threonine 392 with asparagine.
Molecular consequence: missense variant.
Genome position (GRCh38, 1-based): chr19:41,981,925, G>T on the plus strand (C>A on the coding strand, the complement: ATP1A3 is on the minus strand). VCF-style: chr19-41981925-G-T. GRCh37 (hg19) VCF-style: chr19-42486077-G-T.
Other names: c.1208C>A, p.Thr403Asn (NM_001256213.2); c.1214C>A, p.Thr405Asn (NM_001256214.2); short protein forms T405N, T403N, T392N.
Identifiers: ClinVar variation 5009249 (VCV005009249.1).

ClinVar aggregate classification (germline): Uncertain significance (1 of 4 stars; one submission).

Submission:

GeneDx
Classification: Uncertain significance. Last evaluated: 2026-03-16. Review status: criteria provided, single submitter. Criteria: GeneDx Variant Classification Process June 2021. Collection method: clinical testing. Allele origin: germline.
Comment: Not observed at significant frequency in large population cohorts (gnomAD); In silico analysis supports that this missense variant has a deleterious effect on protein structure/function; Has not been previously published as pathogenic or benign to our knowledge